The following is an entry in ClinVar:

ClinVar aggregate classification (germline): Uncertain significance. Review status: criteria provided, multiple submitters, no conflicts (2 of 4 stars). 5 submissions from 5 submitters: Uncertain significance (5). Last evaluated 2025-09-16.

Conditions:
Multiple endocrine neoplasia, type 2 (MEN2). Identifiers: Orphanet 653, MedGen C4048306, MONDO:0019003. Disease mechanism: gain of function.
Hereditary cancer-predisposing syndrome. Also called: Hereditary Cancer Syndrome; Hereditary neoplastic syndrome; Neoplastic Syndromes, Hereditary; Tumor predisposition. Identifiers: Orphanet 140162, MedGen C0027672, MeSH D009386, MONDO:0015356.

Allele frequency attached by ClinVar (database versions not stated): gnomAD exomes below 0.00001; TOPMed 0.00001.

Submissions (5):

Labcorp Genetics (formerly Invitae), Labcorp
Classification: Uncertain significance for Multiple endocrine neoplasia, type 2. Last evaluated: 2025-09-16. Review status: criteria provided, single submitter. Criteria: Invitae Variant Classification Sherloc (09022015). Collection method: clinical testing. Allele origin: germline.
Comment: This sequence change replaces alanine, which is neutral and non-polar, with valine, which is neutral and non-polar, at codon 416 of the RET protein (p.Ala416Val). This variant is present in population databases (no rsID available, gnomAD 0.003%). This variant has not been reported in the literature in individuals affected with RET-related conditions. ClinVar contains an entry for this variant (Variation ID: 1759815). An algorithm developed to predict the effect of missense changes on protein structure and function (PolyPhen-2) suggests that this variant is likely to be disruptive. In summary, the available evidence is currently insufficient to determine the role of this variant in disease. Therefore, it has been classified as a Variant of Uncertain Significance.

Color Diagnostics, LLC DBA Color Health
Classification: Uncertain significance for Multiple endocrine neoplasia, type 2. Last evaluated: 2025-05-13. Review status: criteria provided, single submitter. Criteria: ACMG Guidelines, 2015. Collection method: clinical testing. Allele origin: germline.
Comment: This missense variant replaces alanine with valine at codon 416 of the RET protein. Computational prediction suggests that this variant may not impact protein structure and function. To our knowledge, functional studies have not been reported for this variant. This variant has not been reported in individuals affected with RET-related disorders in the literature. This variant has been identified in 2/250458 chromosomes in the general population by the Genome Aggregation Database (gnomAD). The available evidence is insufficient to determine the role of this variant in disease conclusively. Therefore, this variant is classified as a Variant of Uncertain Significance.

GeneDx
Classification: Uncertain significance. Last evaluated: 2025-04-06. Review status: criteria provided, single submitter. Criteria: GeneDx Variant Classification Process June 2021. Collection method: clinical testing. Allele origin: germline. Affected: yes.
Comment: Not observed at significant frequency in large population cohorts (gnomAD); In silico analysis supports that this missense variant has a deleterious effect on protein structure/function; Has not been previously published as pathogenic or benign to our knowledge; This variant is associated with the following publications: (PMID: 14633923)

Blueprint Genetics
Classification: Uncertain significance. Last evaluated: 2024-11-22. Review status: criteria provided, single submitter. Criteria: ACMG Guidelines, 2015. Collection method: clinical testing. Allele origin: germline.

Ambry Genetics
Classification: Uncertain significance for Hereditary cancer-predisposing syndrome. Last evaluated: 2024-01-10. Review status: criteria provided, single submitter. Criteria: Ambry Variant Classification Scheme 2023. Collection method: clinical testing. Allele origin: germline.
Comment: The p.A416V variant (also known as c.1247C>T), located in coding exon 6 of the RET gene, results from a C to T substitution at nucleotide position 1247. The alanine at codon 416 is replaced by valine, an amino acid with similar properties. This amino acid position is highly conserved in available vertebrate species. In addition, the in silico prediction for this alteration is inconclusive. Since supporting evidence is limited at this time, the clinical significance of this alteration remains unclear.

NM_020975.6(RET):c.1247C>T (p.Ala416Val)

Gene: RET (ret proto-oncogene; plus strand). Cytogenetic location: 10q11.21.
Variant type: single nucleotide variant.
Coding change: c.1247C>T on transcript NM_020975.6 (MANE Select); coding-DNA position 1247, C replaced by T.
Protein change: p.Ala416Val; replaces alanine 416 with valine.
Molecular consequence: missense variant.
Genome position (GRCh38, 1-based): chr10:43,109,214, C>T. VCF-style: chr10-43109214-C-T. GRCh37 (hg19) VCF-style: chr10-43604662-C-T.
Other names: c.1247C>T, p.Ala416Val (NM_000323.2, NM_001406743.1, NM_001406744.1 and 6 more transcripts); c.485C>T, p.Ala162Val (NM_001355216.2); c.1118C>T, p.Ala373Val (NM_001406761.1, NM_001406762.1, NM_001406764.1 and 1 more transcripts); c.959C>T, p.Ala320Val (NM_001406766.1, NM_001406767.1, NM_001406770.1); c.809C>T, p.Ala270Val (NM_001406771.1, NM_001406773.1); c.521C>T, p.Ala174Val (NM_001406775.1, NM_001406776.1, NM_001406777.1 and 1 more transcripts); c.257C>T, p.Ala86Val (NM_001406784.1); short protein forms A162V, A373V, A416V, A86V, A174V, A270V, A320V.
Identifiers: ClinVar variation 1759815 (VCV001759815.5), dbSNP rs1233324255, ClinGen allele CA376548050.
Genomic context (GRCh38, chr10:43,109,214, plus strand): 5'-CGGTGCTGCCGGTCAGCCTGCACCTGCCCAGTACCTACTCCCTCTCCGTGAGCAGGAGGG[C>T]TCGCCGATTTGCCCAGGTGAGCCCATACCTATTGCCTGTCTGGGGAAGATTGAAAGGCCA-3'
Protein context (NP_066124.1, residues 406-426): STYSLSVSRR[Ala416Val]RRFAQIGKVC